The following is an entry in ClinVar:

NM_004655.4(AXIN2):c.-117+20C>T

Gene: AXIN2 (axin 2; minus strand). Cytogenetic location: 17q24.1.
Variant type: single nucleotide variant.
Coding change: c.-117+20C>T on transcript NM_004655.4 (MANE Select); 20 bases into the intron after 117 bases upstream of the start codon, C replaced by T.
Molecular consequence: intron variant.
Genome position (GRCh38, 1-based): chr17:65,561,430, G>A on the plus strand (C>T on the coding strand, the complement: AXIN2 is on the minus strand). VCF-style: chr17-65561430-G-A. GRCh37 (hg19) VCF-style: chr17-63557548-G-A.
Other names: c.-117+20C>T (NM_001363813.1, LRG_296t1).
Identifiers: ClinVar variation 508510 (VCV000508510.1), dbSNP rs1555584836, ClinGen allele CA658798950.

ClinVar aggregate classification (germline): Likely benign (1 of 4 stars; one submission).

Allele frequency attached by ClinVar (database versions not stated): gnomAD 0.00001; TOPMed below 0.00001.
gnomAD v4.1: 1 of 149,830 alleles (0.00067%); highest among the groups gnomAD compares: Non-Finnish European, 0.0015%; no homozygotes.

Submission:

GeneDx
Classification: Likely benign. Last evaluated: 2017-03-29. Review status: criteria provided, single submitter. Criteria: GeneDx Variant Classification (06012015). Collection method: clinical testing. Allele origin: germline. Affected: yes.
Comment: This variant is considered likely benign or benign based on one or more of the following criteria: it is a conservative change, it occurs at a poorly conserved position in the protein, it is predicted to be benign by multiple in silico algorithms, and/or has population frequency not consistent with disease.